The following is an entry in ClinVar:

ClinVar aggregate classification (germline): Pathogenic (1 of 4 stars; one submission).

Conditions:
Primary ciliary dyskinesia 3. Identifiers: Orphanet 244, MedGen C1837618, MONDO:0012085, OMIM 608644.

Submission:

Myriad Genetics, Inc.
Classification: Pathogenic for Primary ciliary dyskinesia 3. Last evaluated: 2024-05-14. Review status: criteria provided, single submitter. Criteria: Myriad Autosomal Dominant, Autosomal Recessive and X-Linked Classification Criteria (2023). Collection method: clinical testing. Allele origin: unknown.
Comment: NM_001369.2(DNAH5):c.4086_4087delGGinsTGAT(Q1362Hfs*45) is expected to be pathogenic in the context of primary ciliary dyskinesia, DNAH5-related. This variant is predicted to lead to an abnormal or absent protein product due to the creation of a premature termination codon in DNAH5, a gene where loss-of-function variants are known to be pathogenic. Please note: this variant was assessed in the context of healthy population screening.

NM_001369.3(DNAH5):c.4086_4087delinsTGAT (p.Gln1362fs)

Genes: DNAH5 (dynein axonemal heavy chain 5; minus strand), DNAH5-AS1 (DNAH5 antisense RNA 1; plus strand). Cytogenetic location: 5p15.2.
Variant type: Indel.
Coding change: c.4086_4087delinsTGAT on transcript NM_001369.3 (MANE Select); coding-DNA positions 4086 to 4087, GG replaced by TGAT.
Protein change: p.Gln1362fs; shifts the reading frame from glutamine 1362.
Molecular consequence: frameshift variant.
Genome position (GRCh38, 1-based): chr5:13,866,249-13,866,250, CC replaced by ATCA on the plus strand (GG replaced by TGAT on the coding strand, the reverse complement: DNAH5 is on the minus strand). VCF-style: chr5-13866249-CC-ATCA. GRCh37 (hg19) VCF-style: chr5-13866358-CC-ATCA.
Other names: short protein forms Q1362fs.
Identifiers: ClinVar variation 5010788 (VCV005010788.1).
Genomic context (GRCh38, chr5:13,866,249, plus strand): 5'-TTTAGAAAGTCATAGAAACTAAAAAGATTACCTGAAACATGATAAGCCTGTCACTGGCTT[CC>ATCA]TGGGGCTTCAAGCCGCTAGCCATTGGACCATTCTGAACAAAAAGTAAAAAAAGAAAAATA-3'